The following is an entry in ClinVar:

NM_001278116.2(L1CAM):c.1365del (p.Ser457fs)

Gene: L1CAM (L1 cell adhesion molecule; minus strand). Cytogenetic location: Xq28.
Variant type: Deletion.
Coding change: c.1365del on transcript NM_001278116.2 (MANE Select); coding-DNA position 1365, one base deleted (G; older notation c.1365delG).
Protein change: p.Ser457fs; shifts the reading frame from serine 457.
Molecular consequence: frameshift variant.
Genome position (GRCh38, 1-based): chrX:153,868,855, C deleted on the plus strand (G on the coding strand, the reverse complement: L1CAM is on the minus strand). VCF-style (leftmost placement, unchanged base first): chrX-153868854-GC-G. GRCh37 (hg19) VCF-style: chrX-153134309-GC-G.
Other names: c.1365del, p.Ser457fs (NM_000425.5, NM_024003.3); c.1350del, p.Ser452fs (NM_001143963.2); short protein forms S452fs, S457fs.
Identifiers: ClinVar variation 2574717 (VCV002574717.1), dbSNP rs2521005091, ClinGen allele CA2580612517.

ClinVar aggregate classification (germline): Pathogenic (1 of 4 stars; one submission).

Submission:

GeneDx
Classification: Pathogenic. Last evaluated: 2023-08-01. Review status: criteria provided, single submitter. Criteria: GeneDx Variant Classification Process June 2021. Collection method: clinical testing. Allele origin: germline. Affected: yes.
Comment: Frameshift variant predicted to result in protein truncation or nonsense mediated decay in a gene for which loss of function is a known mechanism of disease; Not observed at significant frequency in large population cohorts (gnomAD); Has not been previously published as pathogenic or benign to our knowledge